The following is an entry in ClinVar:

ClinVar aggregate classification (germline): Uncertain significance (1 of 4 stars; one submission).

gnomAD v4.1: 2 of 1,211,708 alleles (0.00017%); highest among the groups gnomAD compares: Non-Finnish European, 0.00011%; no homozygotes.

Submission:

GeneDx
Classification: Uncertain significance. Last evaluated: 2022-11-22. Review status: criteria provided, single submitter. Criteria: GeneDx Variant Classification Process June 2021. Collection method: clinical testing. Allele origin: germline. Affected: yes.
Comment: Not observed at significant frequency in large population cohorts (gnomAD); In silico analysis supports that this missense variant does not alter protein structure/function; Has not been previously published as pathogenic or benign to our knowledge

NM_000489.6(ATRX):c.2761G>A (p.Val921Ile)

Gene: ATRX (ATRX chromatin remodeler; minus strand). Cytogenetic location: Xq21.1.
Variant type: single nucleotide variant.
Coding change: c.2761G>A on transcript NM_000489.6 (MANE Select); coding-DNA position 2761, G replaced by A.
Protein change: p.Val921Ile; replaces valine 921 with isoleucine.
Molecular consequence: missense variant.
Genome position (GRCh38, 1-based): chrX:77,682,495, C>T on the plus strand (G>A on the coding strand, the complement: ATRX is on the minus strand). VCF-style: chrX-77682495-C-T. GRCh37 (hg19) VCF-style: chrX-76937987-C-T.
Other names: c.2647G>A, p.Val883Ile (NM_138270.5); short protein forms V883I, V921I.
Identifiers: ClinVar variation 2502466 (VCV002502466.1), dbSNP rs587778088, ClinGen allele CA413710618.